The following is an entry in ClinVar:

ClinVar aggregate classification (germline): Uncertain significance (1 of 4 stars; one submission).

Conditions:
Congenital contractural arachnodactyly (CCA). Also called: BEALS SYNDROME; Beals-Hecht syndrome; Arthrogryposis, distal, type 9. Identifiers: Orphanet 115, MedGen C0220668, MONDO:0007363, OMIM 121050.

Submission:

Labcorp Genetics (formerly Invitae), Labcorp
Classification: Uncertain significance for Congenital contractural arachnodactyly. Last evaluated: 2024-05-24. Review status: criteria provided, single submitter. Criteria: Invitae Variant Classification Sherloc (09022015). Collection method: clinical testing. Allele origin: germline.
Comment: This sequence change replaces methionine, which is neutral and non-polar, with isoleucine, which is neutral and non-polar, at codon 365 of the FBN2 protein (p.Met365Ile). This variant is not present in population databases (gnomAD no frequency). This variant has not been reported in the literature in individuals affected with FBN2-related conditions. Advanced modeling of protein sequence and biophysical properties (such as structural, functional, and spatial information, amino acid conservation, physicochemical variation, residue mobility, and thermodynamic stability) performed at Invitae indicates that this missense variant is not expected to disrupt FBN2 protein function with a negative predictive value of 80%. In summary, the available evidence is currently insufficient to determine the role of this variant in disease. Therefore, it has been classified as a Variant of Uncertain Significance.

NM_001999.4(FBN2):c.1095G>A (p.Met365Ile)

Gene: FBN2 (fibrillin 2; minus strand). Cytogenetic location: 5q23.3.
Variant type: single nucleotide variant.
Coding change: c.1095G>A on transcript NM_001999.4 (MANE Select); coding-DNA position 1095, G replaced by A.
Protein change: p.Met365Ile; replaces methionine 365 with isoleucine.
Molecular consequence: missense variant.
Genome position (GRCh38, 1-based): chr5:128,395,258, C>T on the plus strand (G>A on the coding strand, the complement: FBN2 is on the minus strand). VCF-style: chr5-128395258-C-T. GRCh37 (hg19) VCF-style: chr5-127730951-C-T.
Other names: short protein forms M365I.
Identifiers: ClinVar variation 3697189 (VCV003697189.2).